The following is an entry in ClinVar:

NM_004525.3(LRP2):c.6770T>C (p.Ile2257Thr)

Gene: LRP2 (LDL receptor related protein 2; minus strand). Cytogenetic location: 2q31.1.
Variant type: single nucleotide variant.
Coding change: c.6770T>C on transcript NM_004525.3 (MANE Select); coding-DNA position 6770, T replaced by C.
Protein change: p.Ile2257Thr; replaces isoleucine 2257 with threonine.
Molecular consequence: missense variant.
Genome position (GRCh38, 1-based): chr2:169,206,950, A>G on the plus strand (T>C on the coding strand, the complement: LRP2 is on the minus strand). VCF-style: chr2-169206950-A-G. GRCh37 (hg19) VCF-style: chr2-170063460-A-G.
Other names: short protein forms I2257T.
Identifiers: ClinVar variation 332142 (VCV000332142.12), dbSNP rs202118469, ClinGen allele CA1954223.
Genomic context (GRCh38, chr2:169,206,950, plus strand): 5'-TAACGACTGCCATAACGAATCACTTCAGAGTTCTCTCCATTGATACGAATCCTTGCAATT[A>G]TATCTAAAGAATCATCAACCCAATAAACGTAGCCATCACTTCGGTCCACTGCCAAGCCCC-3'
Protein context (NP_004516.2, residues 2247-2267): YVYWVDDSLD[Ile2257Thr]IARIRINGEN

ClinVar aggregate classification (germline): Uncertain significance. Review status: criteria provided, multiple submitters, no conflicts (2 of 4 stars). 4 submissions from 4 submitters: Uncertain significance (4). Last evaluated 2024-09-09.

Conditions:
Donnai-Barrow syndrome. Also called: DBS/FOAR SYNDROME; FACIOOCULOACOUSTICORENAL SYNDROME. Identifiers: Orphanet 2143, MedGen C1857277, MONDO:0009104, OMIM 222448.

Allele frequency attached by ClinVar (database versions not stated): ExAC 0.00002; gnomAD exomes 0.00003 and 0.00006; gnomAD 0.00007; TOPMed 0.00007; ESP Exome Variant Server 0.00008; 1000 Genomes Project 30x 0.00016; 1000 Genomes Project 0.00020.
gnomAD v4.1: 105 of 1,614,210 alleles (0.0065%); highest among the groups gnomAD compares: Non-Finnish European, 0.0086%; no homozygotes.

Submissions (4):

Labcorp Genetics (formerly Invitae), Labcorp
Classification: Uncertain significance. Last evaluated: 2024-09-09. Review status: criteria provided, single submitter. Criteria: Invitae Variant Classification Sherloc (09022015). Collection method: clinical testing. Allele origin: germline.
Comment: This sequence change replaces isoleucine, which is neutral and non-polar, with threonine, which is neutral and polar, at codon 2257 of the LRP2 protein (p.Ile2257Thr). This variant is present in population databases (rs202118469, gnomAD 0.007%). This variant has not been reported in the literature in individuals affected with LRP2-related conditions. ClinVar contains an entry for this variant (Variation ID: 332142). Invitae Evidence Modeling of protein sequence and biophysical properties (such as structural, functional, and spatial information, amino acid conservation, physicochemical variation, residue mobility, and thermodynamic stability) indicates that this missense variant is not expected to disrupt LRP2 protein function with a negative predictive value of 80%. In summary, the available evidence is currently insufficient to determine the role of this variant in disease. Therefore, it has been classified as a Variant of Uncertain Significance.

Blueprint Genetics
Classification: Uncertain significance. Last evaluated: 2024-08-29. Review status: criteria provided, single submitter. Criteria: ACMG Guidelines, 2015. Collection method: clinical testing. Allele origin: germline.

Fulgent Genetics
Classification: Uncertain significance for Donnai-Barrow syndrome. Last evaluated: 2022-01-25. Review status: criteria provided, single submitter. Criteria: ACMG Guidelines, 2015. Collection method: clinical testing. Allele origin: unknown.

Illumina Laboratory Services, Illumina
Classification: Uncertain significance for Donnai-Barrow syndrome. Last evaluated: 2018-01-12. Review status: criteria provided, single submitter. Criteria: ICSL Variant Classification Criteria 13 December 2019. Collection method: clinical testing. Allele origin: germline.